The following is an entry in ClinVar:

NM_152490.5(B3GALNT2):c.400G>C (p.Asp134His)

Gene: B3GALNT2 (beta-1,3-N-acetylgalactosaminyltransferase 2; minus strand). Cytogenetic location: 1q42.3.
Variant type: single nucleotide variant.
Coding change: c.400G>C on transcript NM_152490.5 (MANE Select); coding-DNA position 400, G replaced by C.
Protein change: p.Asp134His; replaces aspartic acid 134 with histidine.
Molecular consequence: missense variant.
Genome position (GRCh38, 1-based): chr1:235,484,477, C>G on the plus strand (G>C on the coding strand, the complement: B3GALNT2 is on the minus strand). VCF-style: chr1-235484477-C-G. GRCh37 (hg19) VCF-style: chr1-235647793-C-G.
Other names: c.400G>C (NM_152490.3, NM_152490.2); c.523G>C, p.Asp175His (NM_001277155.3); short protein forms D134H, D175H.
Identifiers: ClinVar variation 1036899 (VCV001036899.8), dbSNP rs370993648, ClinGen allele CA1464915.
Genomic context (GRCh38, chr1:235,484,477, plus strand): 5'-GGTAGAGAACTCGGAAACTCACGCTGACAACTCGATCCTCAGGCAGCCCCGATGAAGTGT[C>G]TTCGGACAGACTGAACGCTTCAATTTCCTGATTCAAAACTAAGTAATGAGAACAGGTTTA-3'
Protein context (NP_689703.1, residues 124-144): QEIEAFSLSE[Asp134His]TSSGLPEDRV

ClinVar aggregate classification (germline): Uncertain significance. Review status: criteria provided, multiple submitters, no conflicts (2 of 4 stars). 3 submissions from 3 submitters: Uncertain significance (3). Last evaluated 2025-08-08.

Conditions:
Inborn genetic diseases. Identifiers: MedGen C0950123, MeSH D030342.
Muscular dystrophy-dystroglycanopathy (congenital with brain and eye anomalies), type a, 11 (MDDGA11). Also called: WALKER-WARBURG SYNDROME OR MUSCLE-EYE-BRAIN DISEASE, B3GALNT2-RELATED; Congenital muscular dystrophy-dystroglycanopathy with brain and eye anomalies, type A11; Muscular dystrophy-dystroglycanopathy (congenital with brain and eye anomalies, type A, 11. Identifiers: Orphanet 588, Orphanet 899, MedGen C3554638, MONDO:0014071, OMIM 615181.

Allele frequency attached by ClinVar (database versions not stated): gnomAD exomes 0.00006; ESP Exome Variant Server 0.00008; gnomAD 0.00017 and 0.00019; TOPMed 0.00019; ExAC 0.00006.
gnomAD v4.1: 44 of 1,614,174 alleles (0.0027%); highest among the groups gnomAD compares: African/African-American, 0.053%; 1 homozygote.

Submissions (3):

Ambry Genetics
Classification: Uncertain significance for Inborn genetic diseases. Last evaluated: 2025-08-08. Review status: criteria provided, single submitter. Criteria: Ambry Variant Classification Scheme 2023. Collection method: clinical testing. Allele origin: germline.

Labcorp Genetics (formerly Invitae), Labcorp
Classification: Uncertain significance for Muscular dystrophy-dystroglycanopathy (congenital with brain and eye anomalies), type a, 11. Last evaluated: 2022-08-22. Review status: criteria provided, single submitter. Criteria: Invitae Variant Classification Sherloc (09022015). Collection method: clinical testing. Allele origin: germline.
Comment: This sequence change replaces aspartic acid, which is acidic and polar, with histidine, which is basic and polar, at codon 134 of the B3GALNT2 protein (p.Asp134His). This variant is present in population databases (rs370993648, gnomAD 0.08%). This variant has not been reported in the literature in individuals affected with B3GALNT2-related conditions. ClinVar contains an entry for this variant (Variation ID: 1036899). Algorithms developed to predict the effect of missense changes on protein structure and function (SIFT, PolyPhen-2, Align-GVGD) all suggest that this variant is likely to be tolerated. In summary, the available evidence is currently insufficient to determine the role of this variant in disease. Therefore, it has been classified as a Variant of Uncertain Significance.

Revvity Omics, Revvity
Classification: Uncertain significance for Muscular dystrophy-dystroglycanopathy (congenital with brain and eye anomalies), type a, 11. Last evaluated: 2019-06-20. Review status: criteria provided, single submitter. Criteria: ACMG Guidelines, 2015. Collection method: clinical testing. Allele origin: germline.